The following is an entry in ClinVar:

NC_000001.11:g.20661370G>A

Gene: DDOST (dolichyl-diphosphooligosaccharide--protein glycosyltransferase non-catalytic subunit; minus strand). Cytogenetic location: 1p36.12.
Variant type: single nucleotide variant.
Genome position: GRCh38 VCF-style: chr1-20661370-G-A. GRCh37 (hg19) VCF-style: chr1-20987863-G-A.
Other names: short protein forms S11F.
Identifiers: ClinVar variation 1460715 (VCV001460715.6), dbSNP rs140102515, ClinGen allele CA661396.

ClinVar aggregate classification (germline): Conflicting classifications of pathogenicity. Review status: criteria provided, conflicting classifications (1 of 4 stars). 2 submissions from 2 submitters: Uncertain significance (1); Likely benign (1). Last evaluated 2023-10-22.

Conditions:
Congenital disorder of glycosylation type Ir (CDG1R). Also called: DDOST-congenital disorder of glycosylation. Identifiers: Orphanet 300536, MedGen C3281084, MONDO:0013789, OMIM 614507.

Allele frequency attached by ClinVar (database versions not stated): 1000 Genomes Project 30x 0.00016; ESP Exome Variant Server 0.00015; 1000 Genomes Project 0.00020.

Submissions (2):

Labcorp Genetics (formerly Invitae), Labcorp
Classification: Uncertain significance for Congenital disorder of glycosylation type Ir. Last evaluated: 2023-10-22. Review status: criteria provided, single submitter. Criteria: Invitae Variant Classification Sherloc (09022015). Collection method: clinical testing. Allele origin: germline.
Comment: This sequence change replaces serine, which is neutral and polar, with phenylalanine, which is neutral and non-polar, at codon 11 of the DDOST protein (p.Ser11Phe). This variant is present in population databases (rs140102515, gnomAD 0.03%). This variant has not been reported in the literature in individuals affected with DDOST-related conditions. ClinVar contains an entry for this variant (Variation ID: 1460715). Algorithms developed to predict the effect of missense changes on protein structure and function output the following: SIFT: "Not Available"; PolyPhen-2: "Benign"; Align-GVGD: "Not Available". The phenylalanine amino acid residue is found in multiple mammalian species, which suggests that this missense change does not adversely affect protein function. In summary, the available evidence is currently insufficient to determine the role of this variant in disease. Therefore, it has been classified as a Variant of Uncertain Significance.

Ambry Genetics
Classification: Likely benign. Last evaluated: 2022-04-25. Review status: criteria provided, single submitter. Criteria: Ambry Variant Classification Scheme 2023. Collection method: clinical testing. Allele origin: germline.